The following is an entry in ClinVar:

NM_001134407.3(GRIN2A):c.3447C>A (p.Asp1149Glu)

Gene: GRIN2A (glutamate ionotropic receptor NMDA type subunit 2A; minus strand). Cytogenetic location: 16p13.2.
Variant type: single nucleotide variant.
Coding change: c.3447C>A on transcript NM_001134407.3 (MANE Select); coding-DNA position 3447, C replaced by A.
Protein change: p.Asp1149Glu; replaces aspartic acid 1149 with glutamic acid.
Molecular consequence: missense variant.
Genome position (GRCh38, 1-based): chr16:9,764,097, G>T on the plus strand (C>A on the coding strand, the complement: GRIN2A is on the minus strand). VCF-style: chr16-9764097-G-T. GRCh37 (hg19) VCF-style: chr16-9857954-G-T.
Other names: c.3447C>A, p.Asp1149Glu (NM_000833.5, NM_001134408.2); short protein forms D1149E.
Identifiers: ClinVar variation 4795480 (VCV004795480.1).

ClinVar aggregate classification (germline): Uncertain significance (1 of 4 stars; one submission).

Submission:

GeneDx
Classification: Uncertain significance. Last evaluated: 2025-02-03. Review status: criteria provided, single submitter. Criteria: GeneDx Variant Classification Process June 2021. Collection method: clinical testing. Allele origin: germline. Affected: yes.
Comment: Not observed at significant frequency in large population cohorts (gnomAD); In silico analysis indicates that this missense variant does not alter protein structure/function; Has not been previously published as pathogenic or benign to our knowledge